The following is an entry in ClinVar:

ClinVar aggregate classification (germline): Uncertain significance. Review status: criteria provided, multiple submitters, no conflicts (2 of 4 stars). 3 submissions from 3 submitters: Uncertain significance (3). Last evaluated 2025-10-27.

Conditions:
Cardiovascular phenotype. Identifiers: MedGen CN230736.
Alstrom syndrome (ALMS). Identifiers: Orphanet 64, MedGen C0268425, MONDO:0008763, OMIM 203800.

Allele frequency attached by ClinVar (database versions not stated): gnomAD exomes below 0.00001.
gnomAD v4.1: 25 of 1,613,988 alleles (0.0015%); highest among the groups gnomAD compares: Non-Finnish European, 0.0019%; no homozygotes.

Submissions (3):

Labcorp Genetics (formerly Invitae), Labcorp
Classification: Uncertain significance for Alstrom syndrome. Last evaluated: 2025-10-27. Review status: criteria provided, single submitter. Criteria: Invitae Variant Classification Sherloc (09022015). Collection method: clinical testing. Allele origin: germline.
Comment: This sequence change replaces asparagine, which is neutral and polar, with histidine, which is basic and polar, at codon 3708 of the ALMS1 protein (p.Asn3708His). This variant is present in population databases (rs200464290, gnomAD 0.0009%). This variant has not been reported in the literature in individuals affected with ALMS1-related conditions. ClinVar contains an entry for this variant (Variation ID: 1489343). Experimental studies and prediction algorithms are not available or were not evaluated, and the functional significance of this variant is currently unknown. In summary, the available evidence is currently insufficient to determine the role of this variant in disease. Therefore, it has been classified as a Variant of Uncertain Significance.

Ambry Genetics
Classification: Uncertain significance for Cardiovascular phenotype. Last evaluated: 2022-08-23. Review status: criteria provided, single submitter. Criteria: Ambry Variant Classification Scheme 2023. Collection method: clinical testing. Allele origin: germline.
Comment: The p.N3708H variant (also known as c.11122A>C), located in coding exon 16 of the ALMS1 gene, results from an A to C substitution at nucleotide position 11122. The asparagine at codon 3708 is replaced by histidine, an amino acid with similar properties. This amino acid position is not well conserved in available vertebrate species. In addition, this alteration is predicted to be tolerated by in silico analysis. Since supporting evidence is limited at this time, the clinical significance of this alteration remains unclear.

Fulgent Genetics
Classification: Uncertain significance for Alstrom syndrome. Last evaluated: 2021-09-30. Review status: criteria provided, single submitter. Criteria: ACMG Guidelines, 2015. Collection method: clinical testing. Allele origin: unknown.

NM_001378454.1(ALMS1):c.11119A>C (p.Asn3707His)

Gene: ALMS1 (ALMS1 centrosome and basal body associated protein; plus strand). Cytogenetic location: 2p13.1.
Variant type: single nucleotide variant.
Coding change: c.11119A>C on transcript NM_001378454.1 (MANE Select); coding-DNA position 11119, A replaced by C.
Protein change: p.Asn3707His; replaces asparagine 3707 with histidine.
Molecular consequence: missense variant.
Genome position (GRCh38, 1-based): chr2:73,572,996, A>C. VCF-style: chr2-73572996-A-C. GRCh37 (hg19) VCF-style: chr2-73800123-A-C.
Other names: c.11122A>C, p.Asn3708His (NM_015120.4); short protein forms N3707H, N3708H.
Identifiers: ClinVar variation 1489343 (VCV001489343.7), dbSNP rs200464290, ClinGen allele CA50386808.